The following is an entry in ClinVar:

NM_001868.4(CPA1):c.833A>C (p.Lys278Thr)

Gene: CPA1 (carboxypeptidase A1; plus strand). Cytogenetic location: 7q32.2.
Variant type: single nucleotide variant.
Coding change: c.833A>C on transcript NM_001868.4 (MANE Select); coding-DNA position 833, A replaced by C.
Protein change: p.Lys278Thr; replaces lysine 278 with threonine.
Molecular consequence: missense variant.
Genome position (GRCh38, 1-based): chr7:130,385,191, A>C. VCF-style: chr7-130385191-A-C. GRCh37 (hg19) VCF-style: chr7-130025032-A-C.
Other names: short protein forms K278T.
Identifiers: ClinVar variation 5034915 (VCV005034915.1).
Genomic context (GRCh38, chr7:130,385,191, plus strand): 5'-TCTGTCCCCCCACAGTGTCCGGAGCCAGCAGTAACCCCTGCTCGGAGACTTACCACGGCA[A>C]GTTTGCCAATTCCGAAGTGGAGGTCAAGTCCATTGTAGACTTTGTGAAGGACCATGGGAA-3'
Protein context (NP_001859.1, residues 268-288): SNPCSETYHG[Lys278Thr]FANSEVEVKS

ClinVar aggregate classification (germline): Uncertain significance (1 of 4 stars; one submission).

Conditions:
Hereditary pancreatitis (PCTT). Also called: Hereditary chronic pancreatitis; PRSS1-Related Hereditary Pancreatitis. Identifiers: Orphanet 676, MedGen C0238339, MONDO:0008185, OMIM 167800.

Submission:

Ambry Genetics
Classification: Uncertain significance for Hereditary pancreatitis. Last evaluated: 2026-08-08. Review status: criteria provided, single submitter. Criteria: Ambry Variant Classification Scheme 2023. Collection method: clinical testing. Allele origin: germline.
Comment: The p.K278T variant (also known as c.833A>C), located in coding exon 8 of the CPA1 gene, results from an A to C substitution at nucleotide position 833. The lysine at codon 278 is replaced by threonine, an amino acid with similar properties. This amino acid position is conserved. In addition, this alteration is predicted to be tolerated by in silico analysis. Based on the available evidence, the clinical significance of this variant remains unclear.